The following is an entry in ClinVar:

NM_022356.4(P3H1):c.1620C>T (p.Asn540=)

Gene: P3H1 (prolyl 3-hydroxylase 1; minus strand). Cytogenetic location: 1p34.2.
Variant type: single nucleotide variant.
Coding change: c.1620C>T on transcript NM_022356.4 (MANE Select); coding-DNA position 1620, C replaced by T.
Protein change: p.Asn540=; no amino-acid change (asparagine 540 retained).
Molecular consequence: synonymous variant.
Genome position (GRCh38, 1-based): chr1:42,750,286, G>A on the plus strand (C>T on the coding strand, the complement: P3H1 is on the minus strand). VCF-style: chr1-42750286-G-A. GRCh37 (hg19) VCF-style: chr1-43215957-G-A.
Other names: c.1620C>T, p.Asn540= (NM_001146289.2, NM_001243246.2).
Identifiers: ClinVar variation 536816 (VCV000536816.16), dbSNP rs140334418, ClinGen allele CA801758.

ClinVar aggregate classification (germline): Conflicting classifications of pathogenicity. Review status: criteria provided, conflicting classifications (1 of 4 stars). 3 submissions from 3 submitters: Uncertain significance (1); Likely benign (1). 1 of the submissions does not count toward it. Last evaluated 2026-01-12.

Conditions:
P3H1-related disorder. Also called: P3H1-related condition.
Osteogenesis Imperfecta, Recessive.
Osteogenesis imperfecta type 8 (OI8). Identifiers: MedGen C1970458, MONDO:0012581, OMIM 610915.

Allele frequency attached by ClinVar (database versions not stated): gnomAD 0.00002 and 0.00003; TOPMed 0.00003; ExAC 0.00008; ESP Exome Variant Server 0.00008; 1000 Genomes Project 30x 0.00031; 1000 Genomes Project 0.00040.
gnomAD v4.1: 98 of 1,614,088 alleles (0.0061%); highest among the groups gnomAD compares: East Asian, 0.029%; no homozygotes.

Submissions (3):

Labcorp Genetics (formerly Invitae), Labcorp
Classification: Likely benign for Osteogenesis imperfecta type 8. Last evaluated: 2026-01-12. Review status: criteria provided, single submitter. Criteria: Invitae Variant Classification Sherloc (09022015). Collection method: clinical testing. Allele origin: germline.

Illumina Laboratory Services, Illumina
Classification: Uncertain significance for Osteogenesis Imperfecta, Recessive. Last evaluated: 2017-04-27. Review status: criteria provided, single submitter. Criteria: ICSL Variant Classification Criteria 13 December 2019. Collection method: clinical testing. Allele origin: germline.

PreventionGenetics, part of Exact Sciences
Classification: Likely benign for P3H1-related condition. Last evaluated: 2023-04-10. Review status: no assertion criteria provided. Collection method: clinical testing. Allele origin: germline. Not counted in ClinVar's aggregate classification.
Comment: This variant is classified as likely benign based on ACMG/AMP sequence variant interpretation guidelines (Richards et al. 2015 PMID: 25741868, with internal and published modifications).